The following is an entry in ClinVar:

ClinVar aggregate classification (germline): Benign/Likely benign. Review status: criteria provided, multiple submitters, no conflicts (2 of 4 stars). 6 submissions from 6 submitters: Benign (5); Likely benign (1). Last evaluated 2026-01-31.

Conditions:
Familial sleep-related hypermotor epilepsy. Also called: Autosomal Dominant Sleep-Related Hypermotor (Hyperkinetic) Epilepsy. Identifiers: Orphanet 98784, MedGen C3696898, MONDO:0000030.
Tobacco addiction, susceptibility to. Also called: CIGARETTE HABITUATION, SUSCEPTIBILITY TO. Identifiers: MedGen C1861063, MONDO:0100460, OMIM 188890.
Autosomal dominant nocturnal frontal lobe epilepsy 1. Also called: EPILEPSY, NOCTURNAL FRONTAL LOBE, TYPE 1; CHRNA4-Related Nocturnal Frontal Lobe Epilepsy, Autosomal Dominant. Identifiers: Orphanet 98784, MedGen C1838049, MONDO:0010899, OMIM 600513.

Allele frequency attached by ClinVar (database versions not stated): 1000 Genomes Project 30x 0.00328; 1000 Genomes Project 0.00359; gnomAD 0.00504 and 0.00500; gnomAD exomes 0.00763 and 0.00781; ESP Exome Variant Server 0.00289; TOPMed 0.00516; ExAC 0.02220.
gnomAD v4.1: 10,591 of 1,435,170 alleles (0.74%); highest among the groups gnomAD compares: South Asian, 1.5%; 65 homozygotes.

Submissions (6):

Labcorp Genetics (formerly Invitae), Labcorp
Classification: Benign. Last evaluated: 2026-01-31. Review status: criteria provided, single submitter. Criteria: Invitae Variant Classification Sherloc (09022015). Collection method: clinical testing. Allele origin: germline.

ARUP Laboratories, Molecular Genetics and Genomics, ARUP Laboratories
Classification: Benign. Last evaluated: 2024-09-25. Review status: criteria provided, single submitter. Criteria: ARUP Molecular Germline Variant Investigation Process 2024. Collection method: clinical testing. Allele origin: germline.

Fulgent Genetics
Classification: Likely benign for Tobacco addiction, susceptibility to; Autosomal dominant nocturnal frontal lobe epilepsy 1. Last evaluated: 2021-08-12. Review status: criteria provided, single submitter. Criteria: ACMG Guidelines, 2015. Collection method: clinical testing. Allele origin: unknown.

Eurofins Ntd Llc (ga)
Classification: Benign. Last evaluated: 2015-09-22. Review status: criteria provided, single submitter. Criteria: EGL Classification Definitions 2015. Collection method: clinical testing. Allele origin: germline. Observed: 3 variant alleles, 3 heterozygotes.

GeneDx
Classification: Benign. Last evaluated: 2013-02-07. Review status: criteria provided, single submitter. Criteria: GeneDx Variant Classification (06012015). Collection method: clinical testing. Allele origin: germline. Affected: yes.
Comment: This variant is considered likely benign or benign based on one or more of the following criteria: it is a conservative change, it occurs at a poorly conserved position in the protein, it is predicted to be benign by multiple in silico algorithms, and/or has population frequency not consistent with disease.

Breakthrough Genomics
Classification: Benign. Review status: criteria provided, single submitter. Criteria: ACMG Guidelines, 2015. Collection method: not provided. Allele origin: germline. Inheritance: Autosomal dominant inheritance. Affected: yes.

NM_000744.7(CHRNA4):c.76+18G>T

Genes: CHRNA4 (cholinergic receptor nicotinic alpha 4 subunit; minus strand), LOC100130587 (uncharacterized LOC100130587; plus strand). Cytogenetic location: 20q13.33.
Variant type: single nucleotide variant.
Coding change: c.76+18G>T on transcript NM_000744.7 (MANE Select); 18 bases into the intron after coding-DNA position 76, G replaced by T.
Molecular consequence: intron variant.
Genome position (GRCh38, 1-based): chr20:63,361,072, C>A on the plus strand (G>T on the coding strand, the complement: CHRNA4 is on the minus strand). VCF-style: chr20-63361072-C-A. GRCh37 (hg19) VCF-style: chr20-61992424-C-A.
Other names: c.-471+105G>T (NM_001256573.2).
Identifiers: ClinVar variation 136768 (VCV000136768.15), dbSNP rs199908363, ClinGen allele CA232450.